The following is an entry in ClinVar:

NM_001378457.1(DMXL2):c.7484C>T (p.Thr2495Ile)

Gene: DMXL2 (Dmx like 2; minus strand). Cytogenetic location: 15q21.2.
Variant type: single nucleotide variant.
Coding change: c.7484C>T on transcript NM_001378457.1 (MANE Select); coding-DNA position 7484, C replaced by T.
Protein change: p.Thr2495Ile; replaces threonine 2495 with isoleucine.
Molecular consequence: missense variant. On other transcripts: non-coding transcript variant (2).
Genome position (GRCh38, 1-based): chr15:51,466,220, G>A on the plus strand (C>T on the coding strand, the complement: DMXL2 is on the minus strand). VCF-style: chr15-51466220-G-A. GRCh37 (hg19) VCF-style: chr15-51758417-G-A.
Other names: c.7484C>T, p.Thr2495Ile (NM_001174116.3, NM_001378459.1, NM_001378461.1 and 1 more transcripts); c.5573C>T, p.Thr1858Ile (NM_001174117.3); c.7481C>T, p.Thr2494Ile (NM_001378458.1, NM_001378462.1, NM_015263.5); c.5462C>T, p.Thr1821Ile (NM_001378460.1); c.7241C>T, p.Thr2414Ile (NM_001378464.1); short protein forms T1821I, T2414I, T2495I, T2494I, T1858I.
Identifiers: ClinVar variation 4715108 (VCV004715108.1).

ClinVar aggregate classification (germline): Uncertain significance (1 of 4 stars; one submission).

gnomAD v4.1: 1 of 1,575,080 alleles (0.000063%); highest among the groups gnomAD compares: Non-Finnish European, 0.000086%; no homozygotes.

Submission:

Labcorp Genetics (formerly Invitae), Labcorp
Classification: Uncertain significance. Last evaluated: 2025-05-12. Review status: criteria provided, single submitter. Criteria: Invitae Variant Classification Sherloc (09022015). Collection method: clinical testing. Allele origin: germline.
Comment: This sequence change replaces threonine, which is neutral and polar, with isoleucine, which is neutral and non-polar, at codon 2495 of the DMXL2 protein (p.Thr2495Ile). This variant is not present in population databases (gnomAD no frequency). This variant has not been reported in the literature in individuals affected with DMXL2-related conditions. An algorithm developed to predict the effect of missense changes on protein structure and function outputs the following: PolyPhen-2: "Benign". The isoleucine amino acid residue is found in multiple mammalian species, which suggests that this missense change does not adversely affect protein function. In summary, the available evidence is currently insufficient to determine the role of this variant in disease. Therefore, it has been classified as a Variant of Uncertain Significance.